The following is an entry in ClinVar:

NM_138387.4(G6PC3):c.806G>A (p.Cys269Tyr)

Gene: G6PC3 (glucose-6-phosphatase catalytic subunit 3; plus strand). Cytogenetic location: 17q21.31.
Variant type: single nucleotide variant.
Coding change: c.806G>A on transcript NM_138387.4 (MANE Select); coding-DNA position 806, G replaced by A.
Protein change: p.Cys269Tyr; replaces cysteine 269 with tyrosine.
Molecular consequence: missense variant. On other transcripts: 3 prime UTR variant (1).
Genome position (GRCh38, 1-based): chr17:44,075,808, G>A. VCF-style: chr17-44075808-G-A. GRCh37 (hg19) VCF-style: chr17-42153176-G-A.
Other names: c.*99G>A (NM_001319945.2); c.461G>A, p.Cys154Tyr (NM_001384165.1, NM_001384166.1, NM_001384167.1 and 1 more transcripts); short protein forms C154Y, C269Y.
Identifiers: ClinVar variation 4260989 (VCV004260989.1).

ClinVar aggregate classification (germline): Uncertain significance (1 of 4 stars; one submission).

Conditions:
Inborn genetic diseases. Identifiers: MedGen C0950123, MeSH D030342.

Submission:

Ambry Genetics
Classification: Uncertain significance for Inborn genetic diseases. Last evaluated: 2025-07-28. Review status: criteria provided, single submitter. Criteria: Ambry Variant Classification Scheme 2023. Collection method: clinical testing. Allele origin: germline.
Comment: The p.C269Y variant (also known as c.806G>A), located in coding exon 6 of the G6PC3 gene, results from a G to A substitution at nucleotide position 806. The cysteine at codon 269 is replaced by tyrosine, an amino acid with highly dissimilar properties. This amino acid position is conserved. In addition, this alteration is predicted to be tolerated by in silico analysis. Based on the available evidence, the clinical significance of this variant remains unclear.